The following is an entry in ClinVar:

ClinVar aggregate classification (germline): Likely pathogenic. Review status: criteria provided, multiple submitters, no conflicts (2 of 4 stars). 5 submissions from 5 submitters: Likely pathogenic (5). Last evaluated 2025-12-17.

Conditions:
Mitochondrial DNA depletion syndrome. Also called: mitochondrial DNA depletion. Identifiers: Orphanet 35698, MedGen C0342782, MONDO:0018158.
Progressive sclerosing poliodystrophy (MTDPS4A). Also called: ALPERS DIFFUSE DEGENERATION OF CEREBRAL GRAY MATTER WITH HEPATIC CIRRHOSIS; Alpers-Huttenlocher Syndrome; ALPERS PROGRESSIVE INFANTILE POLIODYSTROPHY; NEURONAL DEGENERATION OF CHILDHOOD WITH LIVER DISEASE, PROGRESSIVE; Mitochondrial DNA Depletion Syndrome 4A; Alpers-Huttenlocher Syndrome (AHS). Identifiers: Orphanet 726, MedGen C0205710, MONDO:0008758, OMIM 203700.

Submissions (5):

GeneDx
Classification: Likely pathogenic. Last evaluated: 2025-12-17. Review status: criteria provided, single submitter. Criteria: GeneDx Variant Classification Process June 2021. Collection method: clinical testing. Allele origin: germline. Affected: yes.
Comment: Not observed at significant frequency in large population cohorts (gnomAD); In silico analysis supports that this missense variant has a deleterious effect on protein structure/function; Has not been previously published as pathogenic or benign to our knowledge

Labcorp Genetics (formerly Invitae), Labcorp
Classification: Likely pathogenic for Progressive sclerosing poliodystrophy. Last evaluated: 2025-11-17. Review status: criteria provided, single submitter. Criteria: Invitae Variant Classification Sherloc (09022015). Collection method: clinical testing. Allele origin: germline.
Comment: This sequence change replaces arginine, which is basic and polar, with glycine, which is neutral and non-polar, at codon 1096 of the POLG protein (p.Arg1096Gly). This variant is not present in population databases (gnomAD no frequency). This variant has not been reported in the literature in individuals affected with POLG-related conditions. ClinVar contains an entry for this variant (Variation ID: 206555). Invitae Evidence Modeling of protein sequence and biophysical properties (such as structural, functional, and spatial information, amino acid conservation, physicochemical variation, residue mobility, and thermodynamic stability) indicates that this missense variant is expected to disrupt POLG protein function with a positive predictive value of 95%. This variant disrupts the p.Arg1096 amino acid residue in POLG. Other variant(s) that disrupt this residue have been determined to be pathogenic (PMID: 12707443, 19752458, 21305355, 21880868, 22189570, 23545419, 24265579). This suggests that this residue is clinically significant, and that variants that disrupt this residue are likely to be disease-causing. In summary, the currently available evidence indicates that the variant is pathogenic, but additional data are needed to prove that conclusively. Therefore, this variant has been classified as Likely Pathogenic.

Baylor Genetics
Classification: Likely pathogenic for Progressive sclerosing poliodystrophy. Last evaluated: 2023-09-07. Review status: criteria provided, single submitter. Criteria: ACMG Guidelines, 2015. Collection method: clinical testing. Allele origin: unknown.

Women's Health and Genetics/Laboratory Corporation of America, LabCorp
Classification: Likely pathogenic for Mitochondrial DNA depletion syndrome. Last evaluated: 2023-08-09. Review status: criteria provided, single submitter. Criteria: LabCorp Variant Classification Summary - May 2015. Collection method: clinical testing. Allele origin: germline.
Comment: Variant summary: POLG c.3286C>G (p.Arg1096Gly) results in a non-conservative amino acid change located in the DNA polymerase gamma, palm domain (IPR047580) of the encoded protein sequence. At-least two other missense variants at this codon (p.Arg1096Cys and p.Arg1096His) have been reported in individuals affected with features of the POLG spectrum of disorders supporting a critical role for this amino acid residue in protein function. Five of five in-silico tools predict a damaging effect of the variant on protein function. The variant was absent in 251284 control chromosomes. To our knowledge, no occurrence of c.3286C>G in individuals affected with Mitochondrial DNA Depletion Syndrome - POLG Related and no experimental evidence demonstrating its impact on protein function have been reported. Two submitters have cited clinical-significance assessments for this variant to ClinVar after 2014. All submitters classified the variant as likely pathogenic. Based on the evidence outlined above, the variant was classified as likely pathogenic.

Eurofins Ntd Llc (ga)
Classification: Likely pathogenic. Last evaluated: 2017-02-07. Review status: criteria provided, single submitter. Criteria: EGL Classification Definitions 2015. Collection method: clinical testing. Allele origin: germline. Observed: 2 variant alleles, 2 heterozygotes.

Literature cited by the submitters: PubMed 12707443 (cited by Labcorp Genetics (formerly Invitae), Labcorp); PubMed 19752458 (cited by Labcorp Genetics (formerly Invitae), Labcorp); PubMed 21305355 (cited by Labcorp Genetics (formerly Invitae), Labcorp); PubMed 21880868 (cited by Labcorp Genetics (formerly Invitae), Labcorp); PubMed 22189570 (cited by Labcorp Genetics (formerly Invitae), Labcorp); PubMed 23545419 (cited by Labcorp Genetics (formerly Invitae), Labcorp); PubMed 24265579 (cited by Labcorp Genetics (formerly Invitae), Labcorp).

NM_002693.3(POLG):c.3286C>G (p.Arg1096Gly)

Gene: POLG (DNA polymerase gamma, catalytic subunit; minus strand). Cytogenetic location: 15q26.1.
Variant type: single nucleotide variant.
Coding change: c.3286C>G on transcript NM_002693.3 (MANE Select); coding-DNA position 3286, C replaced by G.
Protein change: p.Arg1096Gly; replaces arginine 1096 with glycine.
Molecular consequence: missense variant.
Genome position (GRCh38, 1-based): chr15:89,318,737, G>C on the plus strand (C>G on the coding strand, the complement: POLG is on the minus strand). VCF-style: chr15-89318737-G-C. GRCh37 (hg19) VCF-style: chr15-89861968-G-C.
Other names: p.R1096G:CGT>GGT; c.3286C>G, p.Arg1096Gly (NM_001126131.2); short protein forms R1096G.
Identifiers: ClinVar variation 206555 (VCV000206555.17), dbSNP rs201732356, ClinGen allele CA316754.